The following is an entry in ClinVar:

ClinVar aggregate classification (germline): Uncertain significance (1 of 4 stars; one submission).

Conditions:
COG5-congenital disorder of glycosylation. Also called: CDG IIi; CONGENITAL DISORDER OF GLYCOSYLATION, TYPE IIi; COG5-CDG. Identifiers: Orphanet 263487, MedGen C3150876, MONDO:0013325, OMIM 613612.

Allele frequency attached by ClinVar (database versions not stated): ExAC 0.00002.
gnomAD v4.1: 6 of 1,613,430 alleles (0.00037%); highest among the groups gnomAD compares: Admixed American, 0.0017%; no homozygotes.

Submissions (2):

Labcorp Genetics (formerly Invitae), Labcorp
Classification: Uncertain significance for COG5-congenital disorder of glycosylation. Last evaluated: 2022-03-12. Review status: criteria provided, single submitter. Criteria: Invitae Variant Classification Sherloc (09022015). Collection method: clinical testing. Allele origin: germline.
Comment: In summary, the available evidence is currently insufficient to determine the role of this variant in disease. Therefore, it has been classified as a Variant of Uncertain Significance. This sequence change replaces alanine, which is neutral and non-polar, with threonine, which is neutral and polar, at codon 543 of the COG5 protein (p.Ala543Thr). This variant is present in population databases (rs764755649, gnomAD 0.002%). This variant has not been reported in the literature in individuals affected with COG5-related conditions. Algorithms developed to predict the effect of missense changes on protein structure and function (SIFT, PolyPhen-2, Align-GVGD) all suggest that this variant is likely to be tolerated.

Dr. Peter K. Rogan Lab, Western University
No classification provided (evidence only). Condition: Clear cell carcinoma of kidney. Review status: no classification provided. Collection method: in vitro. Allele origin: not applicable. Functional consequence: skipped exon. Not counted in ClinVar's aggregate classification.

NM_006348.5(COG5):c.1534G>A (p.Ala512Thr)

Gene: COG5 (component of oligomeric golgi complex 5; minus strand). Cytogenetic location: 7q22.3.
Variant type: single nucleotide variant.
Coding change: c.1534G>A on transcript NM_006348.5 (MANE Select); coding-DNA position 1534, G replaced by A.
Protein change: p.Ala512Thr; replaces alanine 512 with threonine.
Molecular consequence: missense variant.
Genome position (GRCh38, 1-based): chr7:107,281,341, C>T on the plus strand (G>A on the coding strand, the complement: COG5 is on the minus strand). VCF-style: chr7-107281341-C-T. GRCh37 (hg19) VCF-style: chr7-106921786-C-T.
Other names: c.1534G>A, p.Ala512Thr (NM_001161520.2, NM_001379512.1, NM_001379513.1 and 2 more transcripts); c.1372G>A, p.Ala458Thr (NM_001379511.1); c.964G>A, p.Ala322Thr (NM_001379515.1); c.820G>A, p.Ala274Thr (NM_001379516.1); short protein forms A458T, A512T, A322T, A274T.
Identifiers: ClinVar variation 2166175 (VCV002166175.4), dbSNP rs764755649, ClinGen allele CA4430882.